The following is an entry in ClinVar:

NM_021615.5(CHST6):c.815G>A (p.Arg272His)

Gene: CHST6 (carbohydrate sulfotransferase 6; minus strand). Cytogenetic location: 16q23.1.
Variant type: single nucleotide variant.
Coding change: c.815G>A on transcript NM_021615.5 (MANE Select); coding-DNA position 815, G replaced by A.
Protein change: p.Arg272His; replaces arginine 272 with histidine.
Molecular consequence: missense variant.
Genome position (GRCh38, 1-based): chr16:75,479,014, C>T on the plus strand (G>A on the coding strand, the complement: CHST6 is on the minus strand). VCF-style: chr16-75479014-C-T. GRCh37 (hg19) VCF-style: chr16-75512912-C-T.
Other names: short protein forms R272H.
Identifiers: ClinVar variation 2577142 (VCV002577142.1), dbSNP rs745966069, ClinGen allele CA8175381.

ClinVar aggregate classification (germline): Uncertain significance (1 of 4 stars; one submission).

Allele frequency attached by ClinVar (database versions not stated): gnomAD exomes below 0.00001; ExAC 0.00001; TOPMed 0.00001; gnomAD 0.00002.
gnomAD v4.1: 7 of 1,611,164 alleles (0.00043%); highest among the groups gnomAD compares: Admixed American, 0.0033%; no homozygotes.

Submission:

Women's Health and Genetics/Laboratory Corporation of America, LabCorp
Classification: Uncertain significance. Last evaluated: 2023-07-31. Review status: criteria provided, single submitter. Criteria: LabCorp Variant Classification Summary - May 2015. Collection method: clinical testing. Allele origin: germline.
Comment: Variant summary: CHST6 c.815G>A (p.Arg272His) results in a non-conservative amino acid change located in the Sulfotransferase domain (IPR000863) of the encoded protein sequence. Five of five in-silico tools predict a damaging effect of the variant on protein function. The variant allele was found at a frequency of 4.1e-06 in 245608 control chromosomes. The available data on variant occurrences in the general population are insufficient to allow any conclusion about variant significance. c.815G>A has been reported in the literature in at least one compound heterozygous individual affected with Macular Corneal Dystrophy with a second variant of unknown pathogenicity (e.g. Klintworth_2006). These report(s) do not provide unequivocal conclusions about association of the variant with Macular Corneal Dystrophy. To our knowledge, no experimental evidence demonstrating an impact on protein function has been reported. The following publication has been ascertained in the context of this evaluation (PMID: 16568029). No submitters have cited clinical-significance assessments for this variant to ClinVar after 2014. Based on the evidence outlined above, the variant was classified as uncertain significance.

Literature cited by the submitters: PubMed 16568029.